The following is an entry in ClinVar:

NM_005861.4(STUB1):c.705C>G (p.Ile235Met)

Genes: JMJD8 (jumonji domain containing 8; minus strand), STUB1 (STIP1 homology and U-box containing protein 1; plus strand). Cytogenetic location: 16p13.3.
Variant type: single nucleotide variant.
Coding change: c.705C>G on transcript NM_005861.4 (MANE Select); coding-DNA position 705, C replaced by G.
Protein change: p.Ile235Met; replaces isoleucine 235 with methionine.
Molecular consequence: missense variant. On other transcripts: 3 prime UTR variant (5), non-coding transcript variant (3).
Genome position (GRCh38, 1-based): chr16:682,200, C>G. VCF-style: chr16-682200-C-G. GRCh37 (hg19) VCF-style: chr16-732200-C-G.
Other names: c.489C>G, p.Ile163Met (NM_001293197.2); c.*594G>C (NM_001005920.4, NM_001323919.3, NM_001323920.3); c.*628G>C (NM_001323918.3, NM_001323922.3); short protein forms I163M, I235M.
Identifiers: ClinVar variation 4532286 (VCV004532286.1).

ClinVar aggregate classification (germline): Uncertain significance (1 of 4 stars; one submission).

Conditions:
Autosomal recessive spinocerebellar ataxia 16. Identifiers: Orphanet 412057, MedGen C5190574, MONDO:0014339, OMIM 615768.

gnomAD v4.1: 5 of 1,611,696 alleles (0.00031%); highest among the groups gnomAD compares: South Asian, 0.0033%; no homozygotes.

Submission:

Medical Molecular Genetics, National Research Centre
Classification: Uncertain significance for Autosomal recessive spinocerebellar ataxia 16. Last evaluated: 2025-11-01. Review status: criteria provided, single submitter. Criteria: ACMG Guidelines, 2015. Collection method: research. Allele origin: inherited. Affected: yes.
Comment: It is very rare in population databases, with a low allele frequency in gnomAD v4 exomes and no homozygotes observed. Multiple in silico prediction tools support a deleterious impact on protein function and the affected residue lies within a conserved region of the protein. In view of the available evidence, this variant is classified as a Variant of Uncertain Significance (PM2, PP3).